The following is an entry in ClinVar:

NM_001182.5(ALDH7A1):c.503_506del (p.Ile168fs)

Gene: ALDH7A1 (aldehyde dehydrogenase 7 family member A1; minus strand). Cytogenetic location: 5q23.2.
Variant type: Deletion.
Coding change: c.503_506del on transcript NM_001182.5 (MANE Select); coding-DNA positions 503 to 506, 4 bases deleted (TCTT; older notation c.503_506delTCTT).
Protein change: p.Ile168fs; shifts the reading frame from isoleucine 168.
Molecular consequence: frameshift variant.
Genome position (GRCh38, 1-based): chr5:126,582,862-126,582,865, AAGA deleted on the plus strand (TCTT on the coding strand, the reverse complement: ALDH7A1 is on the minus strand). VCF-style (leftmost placement, unchanged base first): chr5-126582861-CAAGA-C. GRCh37 (hg19) VCF-style: chr5-125918553-CAAGA-C.
Other names: c.503_506del (NM_001182.4); c.419_422del, p.Ile140fs (NM_001201377.2); c.503_506del, p.Ile168fs (NM_001202404.2); short protein forms I168fs, I140fs.
Identifiers: ClinVar variation 420018 (VCV000420018.17), dbSNP rs1064794241, ClinGen allele CA16618101.

ClinVar aggregate classification (germline): Pathogenic. Review status: criteria provided, multiple submitters, no conflicts (2 of 4 stars). 6 submissions from 6 submitters: Pathogenic (6). Last evaluated 2024-05-29.

Conditions:
Pyridoxine-dependent epilepsy (EPEO4). Also called: EPILEPSY, EARLY-ONSET, 4, VITAMIN B6-DEPENDENT; Pyridoxine-Dependent Epilepsy - ALDH7A1; PYRIDOXINE DEPENDENCY WITH SEIZURES; Pyridoxine-Dependent Seizures. Identifiers: Orphanet 3006, MedGen C1849508, MONDO:0009945, OMIM 266100. Disease mechanism: loss of function.

Allele frequency attached by ClinVar (database versions not stated): gnomAD exomes below 0.00001 and 0.00002; gnomAD 0.00002; TOPMed 0.00002.

Submissions (6):

Fulgent Genetics
Classification: Pathogenic for Pyridoxine-dependent epilepsy. Last evaluated: 2024-05-29. Review status: criteria provided, single submitter. Criteria: ACMG Guidelines, 2015. Collection method: clinical testing. Allele origin: germline.

Labcorp Genetics (formerly Invitae), Labcorp
Classification: Pathogenic for Pyridoxine-dependent epilepsy. Last evaluated: 2023-06-03. Review status: criteria provided, single submitter. Criteria: Invitae Variant Classification Sherloc (09022015). Collection method: clinical testing. Allele origin: germline.
Comment: This sequence change creates a premature translational stop signal (p.Ile168Serfs*10) in the ALDH7A1 gene. It is expected to result in an absent or disrupted protein product. Loss-of-function variants in ALDH7A1 are known to be pathogenic (PMID: 16491085, 20554659). For these reasons, this variant has been classified as Pathogenic. ClinVar contains an entry for this variant (Variation ID: 420018). This variant is also known as c.419_422delTCTT (p.Ile140Serfs*10). This premature translational stop signal has been observed in individual(s) with pyridoxine-dependent epilepsy (PMID: 19142996). This variant is present in population databases (no rsID available, gnomAD 0.0009%).

Genome-Nilou Lab
Classification: Pathogenic for Pyridoxine-dependent epilepsy. Last evaluated: 2023-04-11. Review status: criteria provided, single submitter. Criteria: ACMG Guidelines, 2015. Collection method: clinical testing. Allele origin: germline. Affected: no.

Women's Health and Genetics/Laboratory Corporation of America, LabCorp
Classification: Pathogenic for Pyridoxine-dependent epilepsy. Last evaluated: 2022-05-19. Review status: criteria provided, single submitter. Criteria: LabCorp Variant Classification Summary - May 2015. Collection method: clinical testing. Allele origin: germline.
Comment: Variant summary: ALDH7A1 c.503_506delTCTT (p.Ile168SerfsX10) results in a premature termination codon, predicted to cause a truncation of the encoded protein or absence of the protein due to nonsense mediated decay, which are commonly known mechanisms for disease. Truncations downstream of this position have been classified as pathogenic by our laboratory. The variant allele was found at a frequency of 4e-06 in 251422 control chromosomes. c.503_506delTCTT has been reported in the literature as a compound heterozygous genotype in at-least two individuals affected with Pyridoxine-Dependent Epilepsy (example, Gallagher_2009, Mills_2010) and continues to be subsequently cited by others (example, Coughlin_2019, Scharer_2010). To our knowledge, no experimental evidence demonstrating an impact on protein function has been reported. Three clinical diagnostic laboratories have submitted clinical-significance assessments for this variant to ClinVar after 2014 without evidence for independent evaluation. All laboratories classified the variant as pathogenic. Based on the evidence outlined above, the variant was classified as pathogenic.

Revvity Omics, Revvity
Classification: Pathogenic for Pyridoxine-dependent epilepsy. Last evaluated: 2019-06-09. Review status: criteria provided, single submitter. Criteria: ACMG Guidelines, 2015. Collection method: clinical testing. Allele origin: germline.

GeneDx
Classification: Pathogenic. Last evaluated: 2017-02-08. Review status: criteria provided, single submitter. Criteria: GeneDx Variant Classification (06012015). Collection method: clinical testing. Allele origin: germline. Affected: yes.
Comment: The c.503_506delTCTT pathogenic variant in the ALDH7A1 gene has been reported previously (using the alternative nomenclature of c.419_422delTCTT) in an individual with folinic-acid responsive seizures and elevated pipecolic acid in CSF who also had a second ALDH7A1 variant identified (Nicolai et al., 2006; Gallagher et al., 2009). The deletion causes a frameshift starting with codon Isoleucine 168, changes this amino acid to a Serine residue and creates a premature Stop codon at position 10 of the new reading frame, denoted p.Ile168SerfsX10. This pathogenic variant is predicted to cause loss of normal protein function either through protein truncation or nonsense-mediated mRNA decay. The c.503_506delTCTT variant is not observed in large population cohorts (Lek et al., 2016; 1000 Genomes Consortium et al., 2015; Exome Variant Server). Therefore, the c.503_506delTCTT variant is considered a pathogenic variant.

Literature cited by the submitters: PubMed 16491085 (cited by Labcorp Genetics (formerly Invitae), Labcorp); PubMed 20554659 (cited by Labcorp Genetics (formerly Invitae), Labcorp and Women's Health and Genetics/Laboratory Corporation of America, LabCorp); PubMed 19142996 (cited by Labcorp Genetics (formerly Invitae), Labcorp and Women's Health and Genetics/Laboratory Corporation of America, LabCorp); PubMed 30043187 (cited by Women's Health and Genetics/Laboratory Corporation of America, LabCorp); PubMed 20814824 (cited by Women's Health and Genetics/Laboratory Corporation of America, LabCorp).